The following is an entry in ClinVar:

ClinVar aggregate classification (germline): Uncertain significance (1 of 4 stars; one submission).

Conditions:
Neurodegeneration with brain iron accumulation 6 (NBIA6). Also called: COASY protein-associated neurodegeneration. Identifiers: Orphanet 397725, MedGen C4517377, MONDO:0014290, OMIM 615643.

Submission:

Labcorp Genetics (formerly Invitae), Labcorp
Classification: Uncertain significance for Neurodegeneration with brain iron accumulation 6. Last evaluated: 2024-12-25. Review status: criteria provided, single submitter. Criteria: Invitae Variant Classification Sherloc (09022015). Collection method: clinical testing. Allele origin: germline.
Comment: This sequence change replaces arginine, which is basic and polar, with histidine, which is basic and polar, at codon 202 of the COASY protein (p.Arg202His). This variant is present in population databases (no rsID available, gnomAD 0.002%). This variant has not been reported in the literature in individuals affected with COASY-related conditions. Invitae Evidence Modeling of protein sequence and biophysical properties (such as structural, functional, and spatial information, amino acid conservation, physicochemical variation, residue mobility, and thermodynamic stability) indicates that this missense variant is not expected to disrupt COASY protein function with a negative predictive value of 80%. In summary, the available evidence is currently insufficient to determine the role of this variant in disease. Therefore, it has been classified as a Variant of Uncertain Significance.

NM_025233.7(COASY):c.605G>A (p.Arg202His)

Gene: COASY (Coenzyme A synthase; plus strand). Cytogenetic location: 17q21.2.
Variant type: single nucleotide variant.
Coding change: c.605G>A on transcript NM_025233.7 (MANE Select); coding-DNA position 605, G replaced by A.
Protein change: p.Arg202His; replaces arginine 202 with histidine.
Molecular consequence: missense variant.
Genome position (GRCh38, 1-based): chr17:42,563,227, G>A. VCF-style: chr17-42563227-G-A. GRCh37 (hg19) VCF-style: chr17-40715245-G-A.
Other names: c.605G>A, p.Arg202His (NM_001042529.3); c.692G>A, p.Arg231His (NM_001042532.4); short protein forms R202H, R231H.
Identifiers: ClinVar variation 3624130 (VCV003624130.1).